The following is an entry in ClinVar:

ClinVar aggregate classification (germline): Uncertain significance (1 of 4 stars; one submission).

Submission:

GeneDx
Classification: Uncertain significance. Last evaluated: 2025-12-04. Review status: criteria provided, single submitter. Criteria: GeneDx Variant Classification Process June 2021. Collection method: clinical testing. Allele origin: germline.
Comment: Not observed at significant frequency in large population cohorts (gnomAD); In silico analysis supports a deleterious effect on splicing; Has not been previously published as pathogenic or benign to our knowledge

NM_001366521.1(ATP2B1):c.1345-6C>G

Gene: ATP2B1 (ATPase plasma membrane Ca2+ transporting 1; minus strand). Cytogenetic location: 12q21.33.
Variant type: single nucleotide variant.
Coding change: c.1345-6C>G on transcript NM_001366521.1 (MANE Select); 6 bases into the intron before coding-DNA position 1345, C replaced by G.
Molecular consequence: intron variant.
Genome position (GRCh38, 1-based): chr12:89,621,797, G>C on the plus strand (C>G on the coding strand, the complement: ATP2B1 is on the minus strand). VCF-style: chr12-89621797-G-C. GRCh37 (hg19) VCF-style: chr12-90015574-G-C.
Other names: c.1147-6C>G (NM_001413053.1, NM_001366530.1); c.784-6C>G (NM_001413060.1, NM_001366531.1, NM_001413058.1 and 2 more transcripts); c.1090-6C>G (NM_001413056.1); c.1204-6C>G (NM_001413051.1, NM_001413055.1, NM_001413052.1); c.1306-6C>G (NM_001413048.1); c.1345-1557C>G (NM_001413054.1); c.1345-6C>G (NM_001413050.1, NM_001366529.1, NM_001366528.1 and 12 more transcripts); c.892-6C>G (NM_001413057.1).
Identifiers: ClinVar variation 4527001 (VCV004527001.2).
Genomic context (GRCh38, chr12:89,621,797, plus strand): 5'-CCATGGTTTCACAAGCATCCAGATGCCTTACTAAGTTATTATCTTTCATCATTTTCTACA[G>C]TGACCAAAAAAAAAAAACTAGTTAAGCTGCATATAAAACCAATCACCTCATTACATTAAA-3'